The following is an entry in ClinVar:

ClinVar aggregate classification (germline): Uncertain significance (1 of 4 stars; one submission).

Conditions:
Acrocallosal syndrome (ACLS). Also called: HALLUX DUPLICATION, POSTAXIAL POLYDACTYLY, AND ABSENCE OF CORPUS CALLOSUM; Schinzel syndrome 1; Absence of corpus callosum with unusual facial appearance, mental deficiency, duplication of the halluces and polydactyly. Identifiers: Orphanet 36, MedGen C0796147, MONDO:0008708, OMIM 200990.

Allele frequency attached by ClinVar (database versions not stated): gnomAD exomes below 0.00001; TOPMed below 0.00001; ExAC 0.00001.
gnomAD v4.1: 1 of 1,603,138 alleles (0.000062%); highest among the groups gnomAD compares: African/African-American, 0.0013%; no homozygotes.

Submission:

Labcorp Genetics (formerly Invitae), Labcorp
Classification: Uncertain significance for Acrocallosal syndrome. Last evaluated: 2025-09-08. Review status: criteria provided, single submitter. Criteria: Invitae Variant Classification Sherloc (09022015). Collection method: clinical testing. Allele origin: germline.
Comment: This sequence change replaces alanine, which is neutral and non-polar, with threonine, which is neutral and polar, at codon 704 of the KIF7 protein (p.Ala704Thr). This variant is present in population databases (rs751403084, gnomAD 0.007%). This variant has not been reported in the literature in individuals affected with KIF7-related conditions. ClinVar contains an entry for this variant (Variation ID: 2181719). Invitae Evidence Modeling of protein sequence and biophysical properties (such as structural, functional, and spatial information, amino acid conservation, physicochemical variation, residue mobility, and thermodynamic stability) indicates that this missense variant is not expected to disrupt KIF7 protein function with a negative predictive value of 80%. In summary, the available evidence is currently insufficient to determine the role of this variant in disease. Therefore, it has been classified as a Variant of Uncertain Significance.

NM_198525.3(KIF7):c.2110G>A (p.Ala704Thr)

Gene: KIF7 (kinesin family member 7; minus strand). Cytogenetic location: 15q26.1.
Variant type: single nucleotide variant.
Coding change: c.2110G>A on transcript NM_198525.3 (MANE Select); coding-DNA position 2110, G replaced by A.
Protein change: p.Ala704Thr; replaces alanine 704 with threonine.
Molecular consequence: missense variant.
Genome position (GRCh38, 1-based): chr15:89,645,094, C>T on the plus strand (G>A on the coding strand, the complement: KIF7 is on the minus strand). VCF-style: chr15-89645094-C-T. GRCh37 (hg19) VCF-style: chr15-90188325-C-T.
Other names: short protein forms A704T.
Identifiers: ClinVar variation 2181719 (VCV002181719.4), dbSNP rs751403084, ClinGen allele CA7728327.